The following is an entry in ClinVar:

ClinVar aggregate classification (germline): Uncertain significance. Review status: criteria provided, multiple submitters, no conflicts (2 of 4 stars). 2 submissions from 2 submitters: Uncertain significance (2). Last evaluated 2024-01-30.

Conditions:
MEGF10-related myopathy (CMYO10A). Also called: Congenital myopathy 10A, severe variant. Identifiers: Orphanet 439212, MedGen C3280679, MONDO:0013731, OMIM 614399.

Submissions (2):

Revvity Omics, Revvity
Classification: Uncertain significance. Last evaluated: 2024-01-30. Review status: criteria provided, single submitter. Criteria: ACMG Guidelines, 2015. Collection method: clinical testing. Allele origin: germline.

Labcorp Genetics (formerly Invitae), Labcorp
Classification: Uncertain significance for MEGF10-related myopathy. Last evaluated: 2022-10-28. Review status: criteria provided, single submitter. Criteria: Invitae Variant Classification Sherloc (09022015). Collection method: clinical testing. Allele origin: germline.
Comment: This variant is not present in population databases (gnomAD no frequency). This sequence change replaces methionine, which is neutral and non-polar, with leucine, which is neutral and non-polar, at codon 781 of the MEGF10 protein (p.Met781Leu). In summary, the available evidence is currently insufficient to determine the role of this variant in disease. Therefore, it has been classified as a Variant of Uncertain Significance. Algorithms developed to predict the effect of missense changes on protein structure and function are either unavailable or do not agree on the potential impact of this missense change (SIFT: "Deleterious"; PolyPhen-2: "Probably Damaging"; Align-GVGD: "Class C0"). This variant has not been reported in the literature in individuals affected with MEGF10-related conditions.

NM_001256545.2(MEGF10):c.2341A>T (p.Met781Leu)

Gene: MEGF10 (multiple EGF like domains 10; plus strand). Cytogenetic location: 5q23.2.
Variant type: single nucleotide variant.
Coding change: c.2341A>T on transcript NM_001256545.2 (MANE Select); coding-DNA position 2341, A replaced by T.
Protein change: p.Met781Leu; replaces methionine 781 with leucine.
Molecular consequence: missense variant.
Genome position (GRCh38, 1-based): chr5:127,440,846, A>T. VCF-style: chr5-127440846-A-T. GRCh37 (hg19) VCF-style: chr5-126776538-A-T.
Other names: c.2341A>T, p.Met781Leu (NM_032446.3); short protein forms M781L.
Identifiers: ClinVar variation 1991492 (VCV001991492.5), dbSNP rs1293120056, ClinGen allele CA360733585.